The following is an entry in ClinVar:

NM_000277.3(PAH):c.281TCA[1] (p.Ile95del)

Gene: PAH (phenylalanine hydroxylase; minus strand). Cytogenetic location: 12q23.2.
Variant type: Microsatellite.
Coding change: c.281TCA[1] on transcript NM_000277.3 (MANE Select); one copy of the 3-base unit TCA starting at c.281; the reference has two copies in a row; one copy, 3 bases deleted.
Protein change: p.Ile95del; deletes isoleucine 95.
Molecular consequence: inframe deletion.
Genome position (GRCh38, 1-based): chr12:102,894,801-102,894,803, TGA deleted on the plus strand (TCA on the coding strand, the reverse complement: PAH is on the minus strand); deleting any 3 consecutive bases within chr12:102,894,801-102,894,808 gives the same sequence; the position shown is the placement nearest the transcript's 3' end. VCF-style (leftmost placement, unchanged base first): chr12-102894800-TTGA-T. GRCh37 (hg19) VCF-style: chr12-103288578-TTGA-T.
Other names: c.281TCA[1], p.Ile95del (NM_001354304.2); c.283_285delATC (NM_000277.1); c.281_283TCA[1] (NM_000277.3); c.284_286delTCA (NM_000277.3, NM_000277.2); short protein forms I95del.
Identifiers: ClinVar variation 604 (VCV000000604.125), dbSNP rs62508727, ClinGen allele CA251535.
Genomic context (GRCh38, chr12:102,894,800, plus strand): 5'-TCTTTCTTCTTATCTCGTGAAAGCTCATGGACAGTGGCACCAATGTCATGCCTCAAGATC[TTGA>T]TGATGTTTGTCAGAGCAGGCAGGCTACGTTTATCCAAATGGGTGAAAAATTCATACTCAT-3'

ClinVar aggregate classification (germline): Pathogenic. Review status: reviewed by expert panel (3 of 4 stars). 18 submissions from 17 submitters: Pathogenic (1). 17 of the submissions do not count toward it. Last evaluated 2019-10-18.

Conditions:
PAH-related disorder. Also called: PAH-related condition.
Phenylketonuria (PKU). Also called: OLIGOPHRENIA PHENYLPYRUVICA; FOLLING DISEASE; Phenylketonuria (PKU); Phenylketonurias. Identifiers: Orphanet 716, MedGen C0031485, MONDO:0009861, OMIM 261600. Disease mechanism: loss of function.

Submissions 1 to 9 of 18:

ClinGen PAH Variant Curation Expert Panel
Classification: Pathogenic for Phenylketonuria. Last evaluated: 2019-10-18. Review status: reviewed by expert panel. Criteria: ClinGen PAH ACMG Specifications v1. Collection method: curation. Allele origin: germline. Inheritance: Autosomal recessive inheritance.
Comment: This variant was documented in 8 patients diagnosed with PAH deficiency (PMID: 26503515, 30747360, 30050108, 29560316, 18985011). Tetrahydrobiopterin (BH4) deficiency was excluded through a BH4 loading test, urinary pterin analysis, and DHPR activity assay. This variant was detected in trans with a pathogenic or likely pathogenic PAH variant in 2 patients with PKU and 3 patients with hyperphenylalaninemia (PMID: 19292873, 24368688, 25894915, 26666653, 29316886). This variant is present at a frequency below 0.0002 in the population databases ExAC and gnomAD. This variant changes protein length from an in-frame deletion in a non-repeat region. In summary, this variant meets criteria to be classified as pathogenic for PAH. PAH-specific ACMG/AMP criteria applied: PM3_strong, PM2, PM4, PP4_moderate.

PreventionGenetics, part of Exact Sciences
Classification: Pathogenic for PAH-related condition. Last evaluated: 2026-07-23. Review status: criteria provided, single submitter. Criteria: ACMG Guidelines, 2015. Collection method: clinical testing. Allele origin: germline. Not counted in ClinVar's aggregate classification.
Comment: The PAH c.284_286delTCA variant is predicted to result in an in-frame deletion (p.Ile95del). This variant, originally described as c.283_285delATC (∆I94), has been reported in the homozygous and compound heterozygous state in patients with phenylalanine hydroxylase deficiency (e.g., Caillaud et al. 1991. PubMed ID: 1709636; Kohlschütter et al. 2009. PubMed ID: 19194782; Li et al. 2018. PubMed ID: 30050108, Table S1). In in vitro studies, the p.Ile95del variant was found to reduce PAH enzyme activity to less than 30% of control (Zurflüh et al. 2008. PubMed ID: 17935162; Li et al. 2018. PubMed ID: 30050108). We have also observed this variant internally in several patients with elevated phenylalanine levels; all patients also carried a second pathogenic PAH variant. This variant is interpreted as pathogenic by the ClinGen PAH Variant Curation Expert Panel as well as multiple additional independent submitters to ClinVar (Variation ID: 604). It is reported in 0.0054% of alleles in individuals of East Asian descent in gnomAD. Taken together, this variant is interpreted as pathogenic.

Natera, Inc.
Classification: Pathogenic for Phenylketonuria. Last evaluated: 2026-01-14. Review status: criteria provided, single submitter. Criteria: Natera Variant Classification Schema (03/2026). Collection method: clinical testing. Allele origin: germline. Not counted in ClinVar's aggregate classification.
Comment: The c.284_286delTCA variant in PAH is an in-frame deletion predicted to remove isoleucine at amino acid 95 while preserving the reading frame. This variant is rare in the general population with a frequency below the threshold expected for the associated phenotype(s). This variant has been observed in one or more individuals affected with the associated recessive disease, as either homozygous or compound heterozygous with a second variant (PMID: 17502162, 26666653, 24705691). Additionally, this variant has been observed to segregate in affected family members (PMID: 17502162). This variant results in a change to the protein length while preserving reading frame, which may disrupt normal protein structure or function. Computational prediction algorithms indicate this variant is likely to affect gene or protein function. Given the available evidence, this variant is classified as Pathogenic.

Labcorp Genetics (formerly Invitae), Labcorp
Classification: Pathogenic for Phenylketonuria. Last evaluated: 2026-01-12. Review status: criteria provided, single submitter. Criteria: Invitae Variant Classification Sherloc (09022015). Collection method: clinical testing. Allele origin: germline. Not counted in ClinVar's aggregate classification.
Comment: This variant, c.284_286del, results in the deletion of 1 amino acid(s) of the PAH protein (p.Ile95del), but otherwise preserves the integrity of the reading frame. This variant is present in population databases (rs62508727, gnomAD 0.006%). This variant has been observed in individual(s) with phenylketonuria and hyperphenylalaninemia (PMID: 1709636, 14722928, 17096675, 18985011, 19292873, 23430918, 25894915, 26666653). It has also been observed to segregate with disease in related individuals. This variant is also known as p.Ile94del. Experimental studies and prediction algorithms are not available or were not evaluated, and the functional significance of this variant is currently unknown. For these reasons, this variant has been classified as Pathogenic.

CeGaT Center for Human Genetics Tuebingen
Classification: Pathogenic. Last evaluated: 2025-08-01. Review status: criteria provided, single submitter. Criteria: CeGaT Center For Human Genetics Tuebingen Variant Classification Criteria Version 2. Collection method: clinical testing. Allele origin: germline. Affected: yes. Observed: 2 variant alleles. Not counted in ClinVar's aggregate classification.
Comment: PAH: PM3:Very Strong, PM2, PP4:Moderate, PM4:Supporting

Neuberg Centre For Genomic Medicine, NCGM
Classification: Pathogenic for Phenylketonuria. Last evaluated: 2023-06-22. Review status: criteria provided, single submitter. Criteria: ACMG Guidelines, 2015. Collection method: clinical testing. Allele origin: germline. Inheritance: Autosomal recessive inheritance. Affected: yes. Not counted in ClinVar's aggregate classification.
Comment: The inframe deletion variant c.284_286del (p.Ile95del) in PAH gene has been reported previously in multiple individuals affected with phenylketonuria (Schwoerer et al. 2018; Yan et al. 2019). In vitro expression studies showed that this variant produced very low levels of PAH activity (Li et al. 2015). The p.Ile95del variant is present with an allele frequency of 0.002% in the gnomAD exomes database. This variant has been submitted to the ClinVar database as Likely Pathogenic / Pathogenic (multiple submissions). This p.Ile95del causes deletion of amino acid Isoleucine at position 95. For these reasons, this variant has been classified as Pathogenic.

Laboratory for Molecular Medicine, Mass General Brigham Personalized Medicine
Classification: Pathogenic for Phenylketonuria. Last evaluated: 2023-02-06. Review status: criteria provided, single submitter. Criteria: ACMG Guidelines, 2015. Collection method: clinical testing. Allele origin: germline. Inheritance: Autosomal recessive inheritance. Not counted in ClinVar's aggregate classification.
Comment: The p.Ile95del variant in PAH has been reported, in the homozygous and compound heterozygous state, in numerous (at least 10) individuals with PAH deficiency (phenylketonuria or hyperphenylalaninemia) (Li 2015 PMID: 26503515, Yan 2019 PMID: 30747360, Li 2008 PMID: 30050108, Schwoerer 2018 PMID: 29560316, Lee 2008 PMID: 18985011, Daniele 2009 PMID: 19292873, Ho 2014 PMID: 24368688, Chen 2015 PMID: 25894915, Jeannesson-Thivisol 2015 PMID: 26666653, Liu 2018 PMID: 29316886). It has also been classified as pathogenic on Oct 18, 2019 by the ClinGen PAH Variant Curation Expert Panel (Variation ID 604) and has been identified in 13/912 Amish and 5/68036 European chromosomes by gnomAD. This variant is a deletion of 1 amino acid at position 95 and is not predicted to alter the protein reading-frame. In vitro functional studies support an impact on protein function as they show it results in a reduced affinity of the PAH enzyme for phenylalanine (Caillaud 1991 PMID: 1709636). In summary, this variant meets criteria to be classified as pathogenic for autosomal recessive phenylalanine hydroxylase (PAH) deficiency. ACMG/AMP criteria applied: PM3_Very strong, PM2_Supporting, PM4, PS3_Moderate.

GeneDx
Classification: Pathogenic. Last evaluated: 2020-12-16. Review status: criteria provided, single submitter. Criteria: GeneDx Variant Classification Process June 2021. Collection method: clinical testing. Allele origin: germline. Affected: yes. Not counted in ClinVar's aggregate classification.
Comment: In-frame deletion of 1 amino acid in a non-repeat region predicted to critically alter the protein; Not observed at a significant frequency in large population cohorts (Lek et al., 2016); In silico analysis supports a deleterious effect on protein structure/function; Responsiveness to BH4 therapy is inconsistent (Zurfluh et al., 2008; Jeannesson-Thivisol et al., 2015); This variant is associated with the following publications: (PMID: 25894915, 19292873, 25255367, 14722928, 1709636, 17935162, 26503515, 24705691, 26666653, 19194782, 18985011, 17096675, 16256386, 24368688, 23430918, 20217238, 30487145, 31028937, 30747360, 32668217, 31589614, 32853555)

Blueprint Genetics
Classification: Pathogenic for PAH-related disorders. Last evaluated: 2020-07-10. Review status: criteria provided, single submitter. Criteria: ACMG Guidelines, 2015. Collection method: clinical testing. Allele origin: germline. Affected: yes. Observed: 4 variant alleles. Not counted in ClinVar's aggregate classification.